The following is an entry in ClinVar:

ClinVar aggregate classification (germline): Uncertain significance (1 of 4 stars; one submission).

gnomAD v4.1: 14 of 1,614,006 alleles (0.00087%); highest among the groups gnomAD compares: East Asian, 0.022%; no homozygotes.

Submission:

Labcorp Genetics (formerly Invitae), Labcorp
Classification: Uncertain significance. Last evaluated: 2025-10-23. Review status: criteria provided, single submitter. Criteria: Invitae Variant Classification Sherloc (09022015). Collection method: clinical testing. Allele origin: germline.
Comment: This sequence change replaces arginine, which is basic and polar, with glutamine, which is neutral and polar, at codon 1064 of the ERBIN protein (p.Arg1064Gln). This variant is present in population databases (rs779988045, gnomAD 0.05%). This variant has not been reported in the literature in individuals affected with ERBIN-related conditions. ClinVar contains an entry for this variant (Variation ID: 3613434). An algorithm developed to predict the effect of missense changes on protein structure and function (PolyPhen-2) suggests that this variant is likely to be tolerated. In summary, the available evidence is currently insufficient to determine the role of this variant in disease. Therefore, it has been classified as a Variant of Uncertain Significance.

NM_001253697.2(ERBIN):c.3191G>A (p.Arg1064Gln)

Gene: ERBIN (erbb2 interacting protein; plus strand). Cytogenetic location: 5q12.3.
Variant type: single nucleotide variant.
Coding change: c.3191G>A on transcript NM_001253697.2 (MANE Select); coding-DNA position 3191, G replaced by A.
Protein change: p.Arg1064Gln; replaces arginine 1064 with glutamine.
Molecular consequence: missense variant.
Genome position (GRCh38, 1-based): chr5:66,054,509, G>A. VCF-style: chr5-66054509-G-A. GRCh37 (hg19) VCF-style: chr5-65350337-G-A.
Other names: c.3191G>A, p.Arg1064Gln (NM_001006600.3, NM_001253698.2, NM_001253699.2 and 1 more transcripts); c.3179G>A, p.Arg1060Gln (NM_001253701.2); short protein forms R1060Q, R1064Q.
Identifiers: ClinVar variation 3613434 (VCV003613434.2).